The following is an entry in ClinVar:

NM_001177693.2(ARHGEF28):c.3082C>T (p.Arg1028Cys)

Gene: ARHGEF28 (Rho guanine nucleotide exchange factor 28; plus strand). Cytogenetic location: 5q13.2.
Variant type: single nucleotide variant.
Coding change: c.3082C>T on transcript NM_001177693.2 (MANE Select); coding-DNA position 3082, C replaced by T.
Protein change: p.Arg1028Cys; replaces arginine 1028 with cysteine.
Molecular consequence: missense variant.
Genome position (GRCh38, 1-based): chr5:73,885,876, C>T. VCF-style: chr5-73885876-C-T. GRCh37 (hg19) VCF-style: chr5-73181701-C-T.
Other names: c.3082C>T, p.Arg1028Cys (NM_001080479.3, NM_001388078.1); c.2143C>T, p.Arg715Cys (NM_001244364.2); c.2788C>T, p.Arg930Cys (NM_001388076.1); short protein forms R1028C, R715C, R930C.
Identifiers: ClinVar variation 3039156 (VCV003039156.2), dbSNP rs201386583, ClinGen allele CA3304998.

ClinVar aggregate classification (germline): Likely benign (0 of 4 stars; one submission).

Conditions:
ARHGEF28-related disorder. Also called: ARHGEF28-related condition.

Allele frequency attached by ClinVar (database versions not stated): 1000 Genomes Project 30x 0.00031; ExAC 0.00038; 1000 Genomes Project 0.00040; ESP Exome Variant Server 0.00059.
gnomAD v4.1: 950 of 1,612,678 alleles (0.059%); highest among the groups gnomAD compares: Middle Eastern, 0.92%; 3 homozygotes.

Submission:

PreventionGenetics, part of Exact Sciences
Classification: Likely benign for ARHGEF28-related condition. Last evaluated: 2019-12-19. Review status: no assertion criteria provided. Collection method: clinical testing. Allele origin: germline.
Comment: This variant is classified as likely benign based on ACMG/AMP sequence variant interpretation guidelines (Richards et al. 2015 PMID: 25741868, with internal and published modifications).